The following is an entry in ClinVar:

ClinVar aggregate classification (germline): Uncertain significance (1 of 4 stars; one submission).

Conditions:
Inborn genetic diseases. Identifiers: MedGen C0950123, MeSH D030342.

Submission:

Ambry Genetics
Classification: Uncertain significance for Inborn genetic diseases. Last evaluated: 2025-12-07. Review status: criteria provided, single submitter. Criteria: Ambry Variant Classification Scheme 2023. Collection method: clinical testing. Allele origin: germline.
Comment: The p.A417G variant (also known as c.1250C>G), located in coding exon 14 of the RTEL1 gene, results from a C to G substitution at nucleotide position 1250. The alanine at codon 417 is replaced by glycine, an amino acid with similar properties. This amino acid position is conserved. In addition, this alteration is predicted to be tolerated by in silico analysis. Based on the available evidence, the clinical significance of this variant remains unclear.

NM_001283009.2(RTEL1):c.1250C>G (p.Ala417Gly)

Genes: RTEL1 (regulator of telomere elongation helicase 1; plus strand), RTEL1-TNFRSF6B (RTEL1-TNFRSF6B readthrough (NMD candidate); plus strand). Cytogenetic location: 20q13.33.
Variant type: single nucleotide variant.
Coding change: c.1250C>G on transcript NM_001283009.2 (MANE Select); coding-DNA position 1250, C replaced by G.
Protein change: p.Ala417Gly; replaces alanine 417 with glycine.
Molecular consequence: missense variant. On other transcripts: non-coding transcript variant (1).
Genome position (GRCh38, 1-based): chr20:63,685,581, C>G. VCF-style: chr20-63685581-C-G. GRCh37 (hg19) VCF-style: chr20-62316934-C-G.
Other names: c.581C>G, p.Ala194Gly (NM_001283010.1); c.1250C>G, p.Ala417Gly (NM_016434.4); c.1322C>G, p.Ala441Gly (NM_032957.5); short protein forms A441G, A194G, A417G.
Identifiers: ClinVar variation 4629639 (VCV004629639.1).